The following is an entry in ClinVar:

NM_004360.5(CDH1):c.2291A>T (p.Asp764Val)

Gene: CDH1 (cadherin 1; plus strand). Cytogenetic location: 16q22.1.
Variant type: single nucleotide variant.
Coding change: c.2291A>T on transcript NM_004360.5 (MANE Select); coding-DNA position 2291, A replaced by T.
Protein change: p.Asp764Val; replaces aspartic acid 764 with valine.
Molecular consequence: missense variant.
Genome position (GRCh38, 1-based): chr16:68,828,300, A>T. VCF-style: chr16-68828300-A-T. GRCh37 (hg19) VCF-style: chr16-68862203-A-T.
Other names: c.2291A>T (NM_004360.3); c.2108A>T, p.Asp703Val (NM_001317184.2); c.743A>T, p.Asp248Val (NM_001317185.2); c.326A>T, p.Asp109Val (NM_001317186.2); short protein forms D248V, D109V, D764V, D703V.
Identifiers: ClinVar variation 1465174 (VCV001465174.8), dbSNP rs1555517687, ClinGen allele CA396470124.
Genomic context (GRCh38, chr16:68,828,300, plus strand): 5'-CAGAGGATGACACCCGGGACAACGTTTATTACTATGATGAAGAAGGAGGCGGAGAAGAGG[A>T]CCAGGTGGGTTTTGAAAACCTTGGTAGCTCAGTGGTGATCTCTTTATTCGGAAGAAGCAA-3'
Protein context (NP_004351.1, residues 754-774): YYDEEGGGEE[Asp764Val]QDFDLSQLHR

ClinVar aggregate classification (germline): Uncertain significance. Review status: criteria provided, multiple submitters, no conflicts (2 of 4 stars). 2 submissions from 2 submitters: Uncertain significance (2). Last evaluated 2026-07-08.

Conditions:
Hereditary diffuse gastric adenocarcinoma (HDGC). Also called: DIFFUSE GASTRIC AND LOBULAR BREAST CANCER SYNDROME. Identifiers: Orphanet 26106, MedGen C1708349, MONDO:0007648, OMIM 137215.
Hereditary cancer-predisposing syndrome. Also called: Hereditary Cancer Syndrome; Tumor predisposition; Neoplastic Syndromes, Hereditary; Hereditary neoplastic syndrome. Identifiers: Orphanet 140162, MedGen C0027672, MeSH D009386, MONDO:0015356.

Submissions (2):

Ambry Genetics
Classification: Uncertain significance for Hereditary cancer-predisposing syndrome. Last evaluated: 2026-07-08. Review status: criteria provided, single submitter. Criteria: Ambry Variant Classification Scheme 2023. Collection method: clinical testing. Allele origin: germline.
Comment: The p.D764V variant (also known as c.2291A>T), located in coding exon 14 of the CDH1 gene, results from an A to T substitution at nucleotide position 2291. The aspartic acid at codon 764 is replaced by valine, an amino acid with highly dissimilar properties. This amino acid position is highly conserved in available vertebrate species. In addition, this alteration is predicted to be deleterious by in silico analysis. Based on the available evidence, the clinical significance of this variant remains unclear.

Labcorp Genetics (formerly Invitae), Labcorp
Classification: Uncertain significance for Hereditary diffuse gastric adenocarcinoma. Last evaluated: 2022-10-15. Review status: criteria provided, single submitter. Criteria: Invitae Variant Classification Sherloc (09022015). Collection method: clinical testing. Allele origin: germline.
Comment: This variant is not present in population databases (gnomAD no frequency). This sequence change replaces aspartic acid, which is acidic and polar, with valine, which is neutral and non-polar, at codon 764 of the CDH1 protein (p.Asp764Val). This missense change has been observed in individual(s) with gastric cancer (Invitae). ClinVar contains an entry for this variant (Variation ID: 1465174). Algorithms developed to predict the effect of missense changes on protein structure and function are either unavailable or do not agree on the potential impact of this missense change (SIFT: "Deleterious"; PolyPhen-2: "Probably Damaging"; Align-GVGD: "Class C15"). This variant disrupts the p.Asp764 amino acid residue in CDH1. Other variant(s) that disrupt this residue have been observed in individuals with CDH1-related conditions (Invitae), which suggests that this may be a clinically significant amino acid residue. In summary, the available evidence is currently insufficient to determine the role of this variant in disease. Therefore, it has been classified as a Variant of Uncertain Significance.